The following is an entry in ClinVar:

ClinVar aggregate classification (germline): Likely pathogenic (0 of 4 stars; one submission).

Conditions:
Neuronal ceroid lipofuscinosis 1 (CLN1). Also called: CEROID LIPOFUSCINOSIS, NEURONAL, 1, VARIABLE AGE AT ONSET; PPT1-Related Neuronal Ceroid-Lipofuscinosis. Identifiers: Orphanet 228329, MedGen C1850451, MONDO:0009744, OMIM 256730.

Submission:

Juha Muilu Group; Institute for Molecular Medicine Finland (FIMM)
Classification: Likely pathogenic for Ceroid lipofuscinosis neuronal 1. Review status: no assertion criteria provided. Collection method: not provided. Allele origin: unknown.
Comment: FinDis database variant: This variant was not found or characterized by our laboratory, data were collected from public sources: see reference
ClinVar note: Converted during submission from probable-pathogenic to Likely pathogenic.

NM_000310.4(PPT1):c.235-3T>C

Gene: PPT1 (palmitoyl-protein thioesterase 1; minus strand). Cytogenetic location: 1p34.2.
Variant type: single nucleotide variant.
Coding change: c.235-3T>C on transcript NM_000310.4 (MANE Select); 3 bases into the intron before coding-DNA position 235, T replaced by C.
Molecular consequence: intron variant.
Genome position (GRCh38, 1-based): chr1:40,092,175, A>G on the plus strand (T>C on the coding strand, the complement: PPT1 is on the minus strand). VCF-style: chr1-40092175-A-G. GRCh37 (hg19) VCF-style: chr1-40557847-A-G.
Other names: c.125-2663T>C (NM_001142604.2); c.235-3T>C (NM_001363695.2).
Identifiers: ClinVar variation 56184 (VCV000056184.2), dbSNP rs386833636, ClinGen allele CA263483.